The following is an entry in ClinVar:

NM_002615.7(SERPINF1):c.808G>A (p.Gly270Arg)

Gene: SERPINF1 (serpin family F member 1; plus strand). Cytogenetic location: 17p13.3.
Variant type: single nucleotide variant.
Coding change: c.808G>A on transcript NM_002615.7 (MANE Select); coding-DNA position 808, G replaced by A.
Protein change: p.Gly270Arg; replaces glycine 270 with arginine.
Molecular consequence: missense variant.
Genome position (GRCh38, 1-based): chr17:1,776,553, G>A. VCF-style: chr17-1776553-G-A. GRCh37 (hg19) VCF-style: chr17-1679847-G-A.
Other names: c.808G>A, p.Gly270Arg (NM_001329903.2); c.247G>A, p.Gly83Arg (NM_001329904.2, NM_001329905.2); short protein forms G270R, G83R.
Identifiers: ClinVar variation 890115 (VCV000890115.10), dbSNP rs369314029, ClinGen allele CA8274867.

ClinVar aggregate classification (germline): Uncertain significance. Review status: criteria provided, multiple submitters, no conflicts (2 of 4 stars). 4 submissions from 4 submitters: Uncertain significance (4). Last evaluated 2024-08-16.

Conditions:
Osteogenesis imperfecta type 6. Also called: Osteogenesis imperfecta, type VI. Identifiers: Orphanet 666, MedGen C3279564, MONDO:0013515, OMIM 613982.
Inborn genetic diseases. Identifiers: MedGen C0950123, MeSH D030342.

Allele frequency attached by ClinVar (database versions not stated): TOPMed 0.00009; gnomAD exomes 0.00010; ESP Exome Variant Server 0.00015; ExAC 0.00018.
gnomAD v4.1: 180 of 1,613,882 alleles (0.011%); highest among the groups gnomAD compares: Non-Finnish European, 0.014%; no homozygotes.

Submissions (4):

Blueprint Genetics
Classification: Uncertain significance. Last evaluated: 2024-08-16. Review status: criteria provided, single submitter. Criteria: ACMG Guidelines, 2015. Collection method: clinical testing. Allele origin: germline.

Ambry Genetics
Classification: Uncertain significance for Inborn genetic diseases. Last evaluated: 2022-11-07. Review status: criteria provided, single submitter. Criteria: Ambry Variant Classification Scheme 2023. Collection method: clinical testing. Allele origin: germline.

Labcorp Genetics (formerly Invitae), Labcorp
Classification: Uncertain significance. Last evaluated: 2022-10-17. Review status: criteria provided, single submitter. Criteria: Invitae Variant Classification Sherloc (09022015). Collection method: clinical testing. Allele origin: germline.
Comment: This sequence change replaces glycine, which is neutral and non-polar, with arginine, which is basic and polar, at codon 270 of the SERPINF1 protein (p.Gly270Arg). This variant is present in population databases (rs369314029, gnomAD 0.03%). This variant has not been reported in the literature in individuals affected with SERPINF1-related conditions. ClinVar contains an entry for this variant (Variation ID: 890115). Advanced modeling of protein sequence and biophysical properties (such as structural, functional, and spatial information, amino acid conservation, physicochemical variation, residue mobility, and thermodynamic stability) performed at Invitae indicates that this missense variant is not expected to disrupt SERPINF1 protein function. In summary, the available evidence is currently insufficient to determine the role of this variant in disease. Therefore, it has been classified as a Variant of Uncertain Significance.

Illumina Laboratory Services, Illumina
Classification: Uncertain significance for Osteogenesis imperfecta type 6. Last evaluated: 2017-09-14. Review status: criteria provided, single submitter. Criteria: ICSL Variant Classification Criteria 13 December 2019. Collection method: clinical testing. Allele origin: germline.